The following is an entry in ClinVar:

ClinVar aggregate classification (germline): Conflicting classifications of pathogenicity. Review status: criteria provided, conflicting classifications (1 of 4 stars). 4 submissions from 4 submitters: Uncertain significance (3); Likely benign (1). Last evaluated 2025-04-21.

Conditions:
Hereditary cancer-predisposing syndrome. Also called: Tumor predisposition; Hereditary neoplastic syndrome; Neoplastic Syndromes, Hereditary; Hereditary Cancer Syndrome. Identifiers: Orphanet 140162, MedGen C0027672, MeSH D009386, MONDO:0015356.
BAP1-related tumor predisposition syndrome (TPDS1). Also called: Tumor susceptibility linked to germline BAP1 mutations; BAP1 tumor predisposition syndrome; TUMOR PREDISPOSITION SYNDROME 1; COMMON Syndrome. Identifiers: Orphanet 289539, MedGen C3280492, MONDO:0013692, OMIM 614327.

Allele frequency attached by ClinVar (database versions not stated): gnomAD exomes below 0.00001; TOPMed below 0.00001; gnomAD 0.00001.
gnomAD v4.1: 5 of 1,614,028 alleles (0.00031%); highest among the groups gnomAD compares: Admixed American, 0.0017%; no homozygotes.

Submissions (4):

Ambry Genetics
Classification: Likely benign for Hereditary cancer-predisposing syndrome. Last evaluated: 2025-04-21. Review status: criteria provided, single submitter. Criteria: Ambry Variant Classification Scheme 2023. Collection method: clinical testing. Allele origin: germline.

Labcorp Genetics (formerly Invitae), Labcorp
Classification: Uncertain significance for BAP1-related tumor predisposition syndrome. Last evaluated: 2025-02-19. Review status: criteria provided, single submitter. Criteria: Invitae Variant Classification Sherloc (09022015). Collection method: clinical testing. Allele origin: germline.
Comment: This sequence change replaces arginine, which is basic and polar, with glutamine, which is neutral and polar, at codon 179 of the BAP1 protein (p.Arg179Gln). This variant is not present in population databases (gnomAD no frequency). This variant has not been reported in the literature in individuals affected with BAP1-related conditions. ClinVar contains an entry for this variant (Variation ID: 846287). Invitae Evidence Modeling of protein sequence and biophysical properties (such as structural, functional, and spatial information, amino acid conservation, physicochemical variation, residue mobility, and thermodynamic stability) indicates that this missense variant is not expected to disrupt BAP1 protein function with a negative predictive value of 80%. In summary, the available evidence is currently insufficient to determine the role of this variant in disease. Therefore, it has been classified as a Variant of Uncertain Significance.

Color Diagnostics, LLC DBA Color Health
Classification: Uncertain significance for Hereditary cancer-predisposing syndrome. Last evaluated: 2024-03-06. Review status: criteria provided, single submitter. Criteria: ACMG Guidelines, 2015. Collection method: clinical testing. Allele origin: germline.
Comment: This missense variant replaces arginine with glutamine at codon 179 of the BAP1 protein. Computational prediction suggests that this variant may not impact protein structure and function (internally defined REVEL score threshold <= 0.5, PMID: 27666373). To our knowledge, functional studies have not been reported for this variant. This variant has not been reported in individuals affected with hereditary cancer in the literature. This variant has not been identified in the general population by the Genome Aggregation Database (gnomAD). The available evidence is insufficient to determine the role of this variant in disease conclusively. Therefore, this variant is classified as a Variant of Uncertain Significance.

GeneDx
Classification: Uncertain significance. Last evaluated: 2023-10-03. Review status: criteria provided, single submitter. Criteria: GeneDx Variant Classification Process June 2021. Collection method: clinical testing. Allele origin: germline. Affected: yes.
Comment: Not observed at significant frequency in large population cohorts (gnomAD); In silico analysis supports that this missense variant has a deleterious effect on protein structure/function; Has not been previously published as pathogenic or benign to our knowledge

Literature cited by the submitters: PubMed 38969833 (cited by Ambry Genetics).

NM_004656.4(BAP1):c.536G>A (p.Arg179Gln)

Gene: BAP1 (BRCA1 associated deubiquitinase 1; minus strand). Cytogenetic location: 3p21.1.
Variant type: single nucleotide variant.
Coding change: c.536G>A on transcript NM_004656.4 (MANE Select); coding-DNA position 536, G replaced by A.
Protein change: p.Arg179Gln; replaces arginine 179 with glutamine.
Molecular consequence: missense variant.
Genome position (GRCh38, 1-based): chr3:52,407,218, C>T on the plus strand (G>A on the coding strand, the complement: BAP1 is on the minus strand). VCF-style: chr3-52407218-C-T. GRCh37 (hg19) VCF-style: chr3-52441234-C-T.
Other names: short protein forms R179Q.
Identifiers: ClinVar variation 846287 (VCV000846287.15), dbSNP rs1440561167, ClinGen allele CA353109723.